The following is an entry in ClinVar:

NM_000238.4(KCNH2):c.1644C>T (p.Ala548=)

Gene: KCNH2 (potassium voltage-gated channel subfamily H member 2; minus strand). Cytogenetic location: 7q36.1.
Variant type: single nucleotide variant.
Coding change: c.1644C>T on transcript NM_000238.4 (MANE Select); coding-DNA position 1644, C replaced by T.
Protein change: p.Ala548=; no amino-acid change (alanine 548 retained).
Molecular consequence: synonymous variant. On other transcripts: non-coding transcript variant (2).
Genome position (GRCh38, 1-based): chr7:150,951,749, G>A on the plus strand (C>T on the coding strand, the complement: KCNH2 is on the minus strand). VCF-style: chr7-150951749-G-A. GRCh37 (hg19) VCF-style: chr7-150648837-G-A.
Other names: c.624C>T, p.Ala208= (NM_001204798.2, NM_172057.3); c.1356C>T, p.Ala452= (NM_001406753.1, NM_001406756.1); c.1467C>T, p.Ala489= (NM_001406755.1); c.1344C>T, p.Ala448= (NM_001406757.1); c.1644C>T, p.Ala548= (NM_172056.3).
Identifiers: ClinVar variation 237294 (VCV000237294.27), dbSNP rs370764268, ClinGen allele CA029096.

ClinVar aggregate classification (germline): Conflicting classifications of pathogenicity. Review status: criteria provided, conflicting classifications (1 of 4 stars). 7 submissions from 7 submitters: Uncertain significance (1); Likely benign (6). Last evaluated 2026-01-05.

Conditions:
Cardiovascular phenotype. Identifiers: MedGen CN230736.
Cardiac arrhythmia. Also called: Arrhythmia; Cardiac rhythm disease. Identifiers: MedGen C0003811, MONDO:0007263, HP:0011675.
Long QT syndrome (LQTS). Identifiers: MedGen C0023976, MeSH D008133, MONDO:0002442. Disease mechanism: loss of function. Inheritance: Various modes of inheritance.
Long QT syndrome 2 (LQT2). Identifiers: Orphanet 101016, Orphanet 768, MedGen C3150943, MONDO:0013367, OMIM 613688.

Allele frequency attached by ClinVar (database versions not stated): gnomAD exomes 0.00001 and 0.00004; gnomAD 0.00003 and 0.00004; ExAC 0.00004; TOPMed 0.00006.
gnomAD v4.1: 46 of 1,610,386 alleles (0.0029%); highest among the groups gnomAD compares: East Asian, 0.029%; no homozygotes.

Submissions (7):

Labcorp Genetics (formerly Invitae), Labcorp
Classification: Likely benign for Long QT syndrome. Last evaluated: 2026-01-05. Review status: criteria provided, single submitter. Criteria: Invitae Variant Classification Sherloc (09022015). Collection method: clinical testing. Allele origin: germline.

Blueprint Genetics
Classification: Likely benign. Last evaluated: 2024-03-05. Review status: criteria provided, single submitter. Criteria: ACMG Guidelines, 2015. Collection method: clinical testing. Allele origin: germline.

All of Us Research Program, National Institutes of Health
Classification: Likely benign for Long QT syndrome. Last evaluated: 2023-12-18. Review status: criteria provided, single submitter. Criteria: ACMG Guidelines, 2015. Collection method: clinical testing. Allele origin: germline. Inheritance: Autosomal dominant inheritance. Observed: 18 variant alleles, 18 heterozygotes.
Comment: This study involves interpretation of variants in research participants for the purpose of population health screening. Participant phenotype was not available at the time of variant classification. Additional details can be found in publication PMID: 35346344, PMCID: PMC8962531

GeneDx
Classification: Likely benign. Last evaluated: 2020-12-04. Review status: criteria provided, single submitter. Criteria: GeneDx Variant Classification Process June 2021. Collection method: clinical testing. Allele origin: germline. Affected: yes.

Color Diagnostics, LLC DBA Color Health
Classification: Likely benign for Arrhythmia. Last evaluated: 2019-05-16. Review status: criteria provided, single submitter. Criteria: ACMG Guidelines, 2015. Collection method: clinical testing. Allele origin: germline.

Illumina Laboratory Services, Illumina
Classification: Uncertain significance for Long QT syndrome 2. Last evaluated: 2018-01-13. Review status: criteria provided, single submitter. Criteria: ICSL Variant Classification Criteria 13 December 2019. Collection method: clinical testing. Allele origin: germline.

Ambry Genetics
Classification: Likely benign for Cardiovascular phenotype. Last evaluated: 2016-09-19. Review status: criteria provided, single submitter. Criteria: Ambry Variant Classification Scheme 2023. Collection method: clinical testing. Allele origin: germline.